The following is an entry in ClinVar:

NM_001081.4(CUBN):c.4586C>G (p.Pro1529Arg)

Gene: CUBN (cubilin; minus strand). Cytogenetic location: 10p13.
Variant type: single nucleotide variant.
Coding change: c.4586C>G on transcript NM_001081.4 (MANE Select); coding-DNA position 4586, C replaced by G.
Protein change: p.Pro1529Arg; replaces proline 1529 with arginine.
Molecular consequence: missense variant.
Genome position (GRCh38, 1-based): chr10:16,982,593, G>C on the plus strand (C>G on the coding strand, the complement: CUBN is on the minus strand). VCF-style: chr10-16982593-G-C. GRCh37 (hg19) VCF-style: chr10-17024592-G-C.
Other names: short protein forms P1529R.
Identifiers: ClinVar variation 854348 (VCV000854348.10), dbSNP rs1251118545, ClinGen allele CA376143253.

ClinVar aggregate classification (germline): Uncertain significance (1 of 4 stars; one submission).

Conditions:
Imerslund-Grasbeck syndrome. Also called: PERNICIOUS ANEMIA, JUVENILE, DUE TO SELECTIVE INTESTINAL MALABSORPTION OF VITAMIN B12, WITH PROTEINURIA; ENTEROCYTE COBALAMIN MALABSORPTION; ENTEROCYTE INTRINSIC FACTOR RECEPTOR, DEFECT OF; Imerslund-Gräsbeck syndrome; Megaloblastic anemia due to inborn errors of metabolism. Identifiers: Orphanet 35858, MedGen C4551825, MONDO:0009853.

gnomAD v4.1: 1 of 1,613,646 alleles (0.000062%); highest among the groups gnomAD compares: Admixed American, 0.0017%; no homozygotes.

Submission:

Labcorp Genetics (formerly Invitae), Labcorp
Classification: Uncertain significance for Imerslund-Grasbeck syndrome. Last evaluated: 2019-12-02. Review status: criteria provided, single submitter. Criteria: Invitae Variant Classification Sherloc (09022015). Collection method: clinical testing. Allele origin: germline.
Comment: This variant is not present in population databases (ExAC no frequency). This sequence change replaces proline with arginine at codon 1529 of the CUBN protein (p.Pro1529Arg). The proline residue is moderately conserved and there is a moderate physicochemical difference between proline and arginine. This variant has not been reported in the literature in individuals with CUBN-related conditions. Algorithms developed to predict the effect of missense changes on protein structure and function are either unavailable or do not agree on the potential impact of this missense change (SIFT: "Tolerated"; PolyPhen-2: "Possibly Damaging"; Align-GVGD: "Class C0"). In summary, the available evidence is currently insufficient to determine the role of this variant in disease. Therefore, it has been classified as a Variant of Uncertain Significance.